The following is an entry in ClinVar:

ClinVar aggregate classification (germline): Conflicting classifications of pathogenicity. Review status: criteria provided, conflicting classifications (1 of 4 stars). 5 submissions from 5 submitters: Uncertain significance (1); Benign (1); Likely benign (2). 1 of the submissions does not count toward it. Last evaluated 2024-06-26.

Conditions:
Oligodontia-cancer predisposition syndrome. Also called: TOOTH AGENESIS-COLORECTAL CANCER SYNDROME. Identifiers: Orphanet 300576, MedGen C1837750, MONDO:0012075, OMIM 608615. Disease mechanism: loss of function.
AXIN2-related disorder.
Hereditary cancer-predisposing syndrome. Also called: Hereditary Cancer Syndrome; Tumor predisposition; Neoplastic Syndromes, Hereditary; Hereditary neoplastic syndrome. Identifiers: Orphanet 140162, MedGen C0027672, MeSH D009386, MONDO:0015356.

Allele frequency attached by ClinVar (database versions not stated): gnomAD exomes below 0.00001; TOPMed below 0.00001.
gnomAD v4.1: 4 of 1,614,140 alleles (0.00025%); highest among the groups gnomAD compares: African/African-American, 0.0013%; no homozygotes.

Submissions (5):

Myriad Genetics, Inc.
Classification: Benign for Oligodontia-cancer predisposition syndrome. Last evaluated: 2024-06-26. Review status: criteria provided, single submitter. Criteria: Myriad Autosomal Dominant, Autosomal Recessive and X-Linked Classification Criteria (2023). Collection method: clinical testing. Allele origin: unknown.
Comment: This variant is considered benign. This variant is a silent/synonymous amino acid change and it is not expected to impact splicing.

Labcorp Genetics (formerly Invitae), Labcorp
Classification: Likely benign for Oligodontia-cancer predisposition syndrome. Last evaluated: 2024-01-18. Review status: criteria provided, single submitter. Criteria: Invitae Variant Classification Sherloc (09022015). Collection method: clinical testing. Allele origin: germline.

Sema4
Classification: Uncertain significance for Hereditary cancer-predisposing syndrome. Last evaluated: 2021-08-26. Review status: criteria provided, single submitter. Criteria: Sema4 Curation Guidelines. Collection method: curation. Allele origin: germline.
Comment: The AXIN2 c.339C>T (p.A113=) variant has not been reported in the literature to our knowledge. It was not observed in the large and broad cohorts of the Genome Aggregation Database (PMID: 32461654). This variant has been reported in ClinVar (Variation ID 701666). The nucleotide is conserved and in silico tools that predict the effect of sequence changes on splicing suggest that this variant does not impact splicing, though these predictions have not been confirmed by functional studies. The overall evidence is insufficient to meet ACMG/AMP criteria for classifying it as benign or pathogenic. In summary, the clinical significance of this variant is currently uncertain.

Ambry Genetics
Classification: Likely benign for Hereditary cancer-predisposing syndrome. Last evaluated: 2021-04-14. Review status: criteria provided, single submitter. Criteria: Ambry Variant Classification Scheme 2023. Collection method: clinical testing. Allele origin: germline.

PreventionGenetics, part of Exact Sciences
Classification: Likely benign for AXIN2-related condition. Last evaluated: 2023-04-27. Review status: no assertion criteria provided. Collection method: clinical testing. Allele origin: germline. Not counted in ClinVar's aggregate classification.
Comment: This variant is classified as likely benign based on ACMG/AMP sequence variant interpretation guidelines (Richards et al. 2015 PMID: 25741868, with internal and published modifications).

NM_004655.4(AXIN2):c.339C>T (p.Ala113=)

Gene: AXIN2 (axin 2; minus strand). Cytogenetic location: 17q24.1.
Variant type: single nucleotide variant.
Coding change: c.339C>T on transcript NM_004655.4 (MANE Select); coding-DNA position 339, C replaced by T.
Protein change: p.Ala113=; no amino-acid change (alanine 113 retained).
Molecular consequence: synonymous variant.
Genome position (GRCh38, 1-based): chr17:65,558,282, G>A on the plus strand (C>T on the coding strand, the complement: AXIN2 is on the minus strand). VCF-style: chr17-65558282-G-A. GRCh37 (hg19) VCF-style: chr17-63554400-G-A.
Other names: c.339C>T, p.Ala113= (NM_001363813.1).
Identifiers: ClinVar variation 701666 (VCV000701666.16), dbSNP rs1598119867, ClinGen allele CA501691905.